The following is an entry in ClinVar:

NM_015662.3(IFT172):c.3623G>A (p.Arg1208Gln)

Genes: IFT172 (intraflagellar transport 172; minus strand), LOC126806173 (BRD4-independent group 4 enhancer GRCh37_chr2:27676057-27677256; plus strand). Cytogenetic location: 2p23.3.
Variant type: single nucleotide variant.
Coding change: c.3623G>A on transcript NM_015662.3 (MANE Select); coding-DNA position 3623, G replaced by A.
Protein change: p.Arg1208Gln; replaces arginine 1208 with glutamine.
Molecular consequence: missense variant.
Genome position (GRCh38, 1-based): chr2:27,454,070, C>T on the plus strand (G>A on the coding strand, the complement: IFT172 is on the minus strand). VCF-style: chr2-27454070-C-T. GRCh37 (hg19) VCF-style: chr2-27676937-C-T.
Other names: c.3623G>A (NM_015662.2, NM_015662.1); short protein forms R1208Q.
Identifiers: ClinVar variation 1015981 (VCV001015981.11), dbSNP rs758387302, ClinGen allele CA1579916.

ClinVar aggregate classification (germline): Uncertain significance. Review status: criteria provided, multiple submitters, no conflicts (2 of 4 stars). 5 submissions from 5 submitters: Uncertain significance (5). Last evaluated 2026-06-29.

Conditions:
Retinitis pigmentosa 71 (RP71). Identifiers: Orphanet 791, MedGen C4225342, MONDO:0014618, OMIM 616394.
Short-rib thoracic dysplasia 10 with or without polydactyly (SRTD10). Identifiers: Orphanet 474, MedGen C3810175, MONDO:0014284, OMIM 615630.
IFT172-related disorder. Also called: IFT172-related condition; IFT172-related disorders.
Inborn genetic diseases. Identifiers: MedGen C0950123, MeSH D030342.

Allele frequency attached by ClinVar (database versions not stated): TOPMed 0.00001; ExAC 0.00003.
gnomAD v4.1: 21 of 1,614,012 alleles (0.0013%); highest among the groups gnomAD compares: South Asian, 0.0044%; no homozygotes.

Submissions (5):

PreventionGenetics, part of Exact Sciences
Classification: Uncertain significance for IFT172-related condition. Last evaluated: 2026-06-29. Review status: criteria provided, single submitter. Criteria: ACMG Guidelines, 2015. Collection method: clinical testing. Allele origin: germline.
Comment: The IFT172 c.3623G>A variant is predicted to result in the amino acid substitution p.Arg1208Gln. To our knowledge, this variant has not been reported in the literature. This variant is reported in 0.0065% of alleles in individuals of South Asian descent in gnomAD. At this time, the clinical significance of this variant is uncertain due to the absence of conclusive functional and genetic evidence.

GeneDx
Classification: Uncertain significance. Last evaluated: 2025-12-19. Review status: criteria provided, single submitter. Criteria: GeneDx Variant Classification Process June 2021. Collection method: clinical testing. Allele origin: germline. Affected: yes.
Comment: Not observed at significant frequency in large population cohorts (gnomAD); In silico analysis suggests that this missense variant does not alter protein structure/function; Has not been previously published as pathogenic or benign to our knowledge

Labcorp Genetics (formerly Invitae), Labcorp
Classification: Uncertain significance for Retinitis pigmentosa 71; Short-rib thoracic dysplasia 10 with or without polydactyly. Last evaluated: 2025-03-11. Review status: criteria provided, single submitter. Criteria: Invitae Variant Classification Sherloc (09022015). Collection method: clinical testing. Allele origin: germline.
Comment: This sequence change replaces arginine, which is basic and polar, with glutamine, which is neutral and polar, at codon 1208 of the IFT172 protein (p.Arg1208Gln). This variant is present in population databases (rs758387302, gnomAD 0.006%). This variant has not been reported in the literature in individuals affected with IFT172-related conditions. ClinVar contains an entry for this variant (Variation ID: 1015981). Invitae Evidence Modeling of protein sequence and biophysical properties (such as structural, functional, and spatial information, amino acid conservation, physicochemical variation, residue mobility, and thermodynamic stability) indicates that this missense variant is not expected to disrupt IFT172 protein function with a negative predictive value of 95%. In summary, the available evidence is currently insufficient to determine the role of this variant in disease. Therefore, it has been classified as a Variant of Uncertain Significance.

Ambry Genetics
Classification: Uncertain significance for Inborn genetic diseases. Last evaluated: 2023-12-31. Review status: criteria provided, single submitter. Criteria: Ambry Variant Classification Scheme 2023. Collection method: clinical testing. Allele origin: germline.

Blueprint Genetics
Classification: Uncertain significance. Last evaluated: 2022-09-05. Review status: criteria provided, single submitter. Criteria: ACMG Guidelines, 2015. Collection method: clinical testing. Allele origin: germline.